The following is an entry in ClinVar:

NM_005245.4(FAT1):c.11165T>C (p.Ile3722Thr)

Genes: FAT1 (FAT atypical cadherin 1; minus strand), LOC126807254 (BRD4-independent group 4 enhancer GRCh37_chr4:187524269-187525468; plus strand). Cytogenetic location: 4q35.2.
Variant type: single nucleotide variant.
Coding change: c.11165T>C on transcript NM_005245.4 (MANE Select); coding-DNA position 11165, T replaced by C.
Protein change: p.Ile3722Thr; replaces isoleucine 3722 with threonine.
Molecular consequence: missense variant.
Genome position (GRCh38, 1-based): chr4:186,603,361, A>G on the plus strand (T>C on the coding strand, the complement: FAT1 is on the minus strand). VCF-style: chr4-186603361-A-G. GRCh37 (hg19) VCF-style: chr4-187524515-A-G.
Other names: c.11165T>C (NM_005245.3); short protein forms I3722T.
Identifiers: ClinVar variation 2172250 (VCV002172250.4), dbSNP rs370582269, ClinGen allele CA3165176.
Genomic context (GRCh38, chr4:186,603,361, plus strand): 5'-TCCAGTCCCGCGCAGAGTTTCTGGAATACATTCAGTATCCTAACTCCAATGATTTCCTCA[A>G]TGTCAGTCACGGAAGAGTTAATCTTGTGCAGAAGTTGTTTTGTTGAGATCTGAGCACTAC-3'
Protein context (NP_005236.2, residues 3712-3732): LHKINSSVTD[Ile3722Thr]EEIIGVRILN

ClinVar aggregate classification (germline): Uncertain significance. Review status: criteria provided, multiple submitters, no conflicts (2 of 4 stars). 2 submissions from 2 submitters: Uncertain significance (2). Last evaluated 2025-12-20.

Conditions:
Inborn genetic diseases. Identifiers: MedGen C0950123, MeSH D030342.

Allele frequency attached by ClinVar (database versions not stated): gnomAD 0.00005; TOPMed 0.00006; ESP Exome Variant Server 0.00025.
gnomAD v4.1: 81 of 1,613,858 alleles (0.005%); highest among the groups gnomAD compares: Non-Finnish European, 0.0064%; no homozygotes.

Submissions (2):

Labcorp Genetics (formerly Invitae), Labcorp
Classification: Uncertain significance. Last evaluated: 2025-12-20. Review status: criteria provided, single submitter. Criteria: Invitae Variant Classification Sherloc (09022015). Collection method: clinical testing. Allele origin: germline.
Comment: This sequence change replaces isoleucine, which is neutral and non-polar, with threonine, which is neutral and polar, at codon 3722 of the FAT1 protein (p.Ile3722Thr). This variant is present in population databases (rs370582269, gnomAD 0.01%). This variant has not been reported in the literature in individuals affected with FAT1-related conditions. ClinVar contains an entry for this variant (Variation ID: 2172250). An algorithm developed to predict the effect of missense changes on protein structure and function (PolyPhen-2) suggests that this variant is likely to be tolerated. In summary, the available evidence is currently insufficient to determine the role of this variant in disease. Therefore, it has been classified as a Variant of Uncertain Significance.

Ambry Genetics
Classification: Uncertain significance for Inborn genetic diseases. Last evaluated: 2025-04-01. Review status: criteria provided, single submitter. Criteria: Ambry Variant Classification Scheme 2023. Collection method: clinical testing. Allele origin: germline.